The following is an entry in ClinVar:

ClinVar aggregate classification (germline): Uncertain significance. Review status: criteria provided, multiple submitters, no conflicts (2 of 4 stars). 3 submissions from 3 submitters: Uncertain significance (3). Last evaluated 2025-08-31.

Conditions:
Colorectal cancer, hereditary nonpolyposis, type 7. Identifiers: Orphanet 144, MedGen C1858380, MONDO:0013725, OMIM 614385.

Allele frequency attached by ClinVar (database versions not stated): TOPMed below 0.00001; gnomAD exomes 0.00001; ESP Exome Variant Server 0.00008.

Submissions (3):

Ambry Genetics
Classification: Uncertain significance. Last evaluated: 2025-08-31. Review status: criteria provided, single submitter. Criteria: Ambry Variant Classification Scheme 2023. Collection method: clinical testing. Allele origin: germline.
Comment: The p.N57S variant (also known as c.170A>G), located in coding exon 1 of the MLH3 gene, results from an A to G substitution at nucleotide position 170. The asparagine at codon 57 is replaced by serine, an amino acid with highly similar properties. This amino acid position is highly conserved in available vertebrate species. In addition, the in silico prediction for this alteration is inconclusive. The evidence for this gene-disease relationship is limited; therefore, the clinical significance of this alteration is unclear.

Labcorp Genetics (formerly Invitae), Labcorp
Classification: Uncertain significance for Colorectal cancer, hereditary nonpolyposis, type 7. Last evaluated: 2025-01-19. Review status: criteria provided, single submitter. Criteria: Invitae Variant Classification Sherloc (09022015). Collection method: clinical testing. Allele origin: germline.
Comment: This sequence change replaces asparagine, which is neutral and polar, with serine, which is neutral and polar, at codon 57 of the MLH3 protein (p.Asn57Ser). This variant is present in population databases (rs376748258, gnomAD 0.0009%). This variant has not been reported in the literature in individuals affected with MLH3-related conditions. ClinVar contains an entry for this variant (Variation ID: 1778519). An algorithm developed to predict the effect of missense changes on protein structure and function (PolyPhen-2) suggests that this variant is likely to be disruptive. In summary, the available evidence is currently insufficient to determine the role of this variant in disease. Therefore, it has been classified as a Variant of Uncertain Significance.

Blueprint Genetics
Classification: Uncertain significance. Last evaluated: 2024-02-06. Review status: criteria provided, single submitter. Criteria: ACMG Guidelines, 2015. Collection method: clinical testing. Allele origin: germline.

NM_001040108.2(MLH3):c.170A>G (p.Asn57Ser)

Gene: MLH3 (mutL homolog 3; minus strand). Cytogenetic location: 14q24.3.
Variant type: single nucleotide variant.
Coding change: c.170A>G on transcript NM_001040108.2 (MANE Select); coding-DNA position 170, A replaced by G.
Protein change: p.Asn57Ser; replaces asparagine 57 with serine.
Molecular consequence: missense variant.
Genome position (GRCh38, 1-based): chr14:75,049,486, T>C on the plus strand (A>G on the coding strand, the complement: MLH3 is on the minus strand). VCF-style: chr14-75049486-T-C. GRCh37 (hg19) VCF-style: chr14-75516189-T-C.
Other names: c.170A>G, p.Asn57Ser (NM_014381.3); short protein forms N57S.
Identifiers: ClinVar variation 1778519 (VCV001778519.8), dbSNP rs376748258, ClinGen allele CA263654093.